The following is an entry in ClinVar:

ClinVar aggregate classification (germline): Uncertain significance. Review status: criteria provided, multiple submitters, no conflicts (2 of 4 stars). 2 submissions from 2 submitters: Uncertain significance (2). Last evaluated 2024-04-29.

Conditions:
Hermansky-Pudlak syndrome 1 (HPS1). Also called: DELTA STORAGE POOL DISEASE. Identifiers: Orphanet 231500, Orphanet 79430, MedGen C2931875, MONDO:0008748, OMIM 203300.

Allele frequency attached by ClinVar (database versions not stated): TOPMed below 0.00001; gnomAD exomes 0.00001.

Submissions (2):

Fulgent Genetics
Classification: Uncertain significance for Hermansky-Pudlak syndrome 1. Last evaluated: 2024-04-29. Review status: criteria provided, single submitter. Criteria: ACMG Guidelines, 2015. Collection method: clinical testing. Allele origin: germline.

Labcorp Genetics (formerly Invitae), Labcorp
Classification: Uncertain significance. Last evaluated: 2022-01-06. Review status: criteria provided, single submitter. Criteria: Invitae Variant Classification Sherloc (09022015). Collection method: clinical testing. Allele origin: germline.
Comment: This sequence change replaces arginine, which is basic and polar, with glutamine, which is neutral and polar, at codon 263 of the HPS1 protein (p.Arg263Gln). The frequency data for this variant in the population databases is considered unreliable, as metrics indicate poor data quality at this position in the gnomAD database. This variant has not been reported in the literature in individuals affected with HPS1-related conditions. Algorithms developed to predict the effect of missense changes on protein structure and function output the following: SIFT: "Tolerated"; PolyPhen-2: "Benign"; Align-GVGD: "Class C0". The glutamine amino acid residue is found in multiple mammalian species, which suggests that this missense change does not adversely affect protein function. In summary, the available evidence is currently insufficient to determine the role of this variant in disease. Therefore, it has been classified as a Variant of Uncertain Significance.

NM_000195.5(HPS1):c.788G>A (p.Arg263Gln)

Gene: HPS1 (HPS1 biogenesis of lysosomal organelles complex 3 subunit 1; minus strand). Cytogenetic location: 10q24.2.
Variant type: single nucleotide variant.
Coding change: c.788G>A on transcript NM_000195.5 (MANE Select); coding-DNA position 788, G replaced by A.
Protein change: p.Arg263Gln; replaces arginine 263 with glutamine.
Molecular consequence: missense variant. On other transcripts: 5 prime UTR variant (1), intron variant (8).
Genome position (GRCh38, 1-based): chr10:98,429,870, C>T on the plus strand (G>A on the coding strand, the complement: HPS1 is on the minus strand). VCF-style: chr10-98429870-C-T. GRCh37 (hg19) VCF-style: chr10-100189627-C-T.
Other names: c.788G>A, p.Arg263Gln (NM_001322476.2, NM_001322477.2, NM_182639.4); c.527G>A, p.Arg176Gln (NM_001322480.2, NM_001322481.2); c.419G>A, p.Arg140Gln (NM_001322483.2, NM_001322484.2); c.-185G>A (NM_001322487.2); c.670G>A, p.Gly224Arg (NM_001322490.2); c.769-228G>A (NM_001322478.2, NM_001322479.2, NM_001322491.2); c.400-228G>A (NM_001322485.2); c.508-228G>A (NM_001322482.2); and 2 more; short protein forms G224R, R176Q, R263Q, R140Q.
Identifiers: ClinVar variation 1397825 (VCV001397825.6), dbSNP rs1452163199, ClinGen allele CA378051706.